The following is an entry in ClinVar:

NM_001042702.5(PJVK):c.-28C>G

Gene: PJVK (pejvakin; plus strand). Cytogenetic location: 2q31.2.
Variant type: single nucleotide variant.
Coding change: c.-28C>G on transcript NM_001042702.5 (MANE Select); 28 bases upstream of the start codon, C replaced by G.
Molecular consequence: 5 prime UTR variant.
Genome position (GRCh38, 1-based): chr2:178,451,764, C>G. VCF-style: chr2-178451764-C-G. GRCh37 (hg19) VCF-style: chr2-179316491-C-G.
Other names: c.-77C>G (NM_001353775.2); c.-340C>G (NM_001353777.1).
Identifiers: ClinVar variation 369319 (VCV000369319.7), dbSNP rs74808009, ClinGen allele CA10654612.

ClinVar aggregate classification (germline): Likely benign. Review status: criteria provided, multiple submitters, no conflicts (2 of 4 stars). 2 submissions from 2 submitters: Likely benign (2). Last evaluated 2018-01-13.

Conditions:
Autosomal recessive nonsyndromic hearing loss 59. Identifiers: Orphanet 90636, MedGen C1857744, MONDO:0012445, OMIM 610220.

Allele frequency attached by ClinVar (database versions not stated): gnomAD exomes 0.00314; 1000 Genomes Project 0.02855; 1000 Genomes Project 30x 0.02889; gnomAD 0.03018 and 0.03259; TOPMed 0.03520.
gnomAD v4.1: 7,339 of 985,344 alleles (0.74%); highest among the groups gnomAD compares: African/African-American, 10%; 304 homozygotes.

Submissions (2):

Illumina Laboratory Services, Illumina
Classification: Likely benign for Autosomal recessive nonsyndromic hearing loss 59. Last evaluated: 2018-01-13. Review status: criteria provided, single submitter. Criteria: ICSL Variant Classification Criteria 13 December 2019. Collection method: clinical testing. Allele origin: germline.
Comment: This variant was observed in the ICSL laboratory as part of a predisposition screen in an ostensibly healthy population. It had not been previously curated by ICSL or reported in the Human Gene Mutation Database (HGMD: prior to June 1st, 2018), and was therefore a candidate for classification through an automated scoring system. Utilizing variant allele frequency, disease prevalence and penetrance estimates, and inheritance mode, an automated score was calculated to assess if this variant is too frequent to cause the disease. Based on the score and internal cut-off values, a variant classified as likely benign is not then subjected to further curation. The score for this variant resulted in a classification of likely benign for this disease.

Breakthrough Genomics
Classification: Likely benign. Review status: criteria provided, single submitter. Criteria: ACMG Guidelines, 2015. Collection method: not provided. Allele origin: germline. Inheritance: Autosomal recessive inheritance. Affected: yes.